The following is an entry in ClinVar:

NM_000235.4(LIPA):c.832G>A (p.Asp278Asn)

Gene: LIPA (lipase A, lysosomal acid type; minus strand). Cytogenetic location: 10q23.31.
Variant type: single nucleotide variant.
Coding change: c.832G>A on transcript NM_000235.4 (MANE Select); coding-DNA position 832, G replaced by A.
Protein change: p.Asp278Asn; replaces aspartic acid 278 with asparagine.
Molecular consequence: missense variant.
Genome position (GRCh38, 1-based): chr10:89,222,573, C>T on the plus strand (G>A on the coding strand, the complement: LIPA is on the minus strand). VCF-style: chr10-89222573-C-T. GRCh37 (hg19) VCF-style: chr10-90982330-C-T.
Other names: c.832G>A, p.Asp278Asn (NM_001127605.3); c.484G>A, p.Asp162Asn (NM_001288979.2); short protein forms D278N, D162N.
Identifiers: ClinVar variation 2566142 (VCV002566142.2), dbSNP rs2495575680, ClinGen allele CA377516776.

ClinVar aggregate classification (germline): Uncertain significance (1 of 4 stars; one submission).

Conditions:
Cardiovascular phenotype. Identifiers: MedGen CN230736.

Submission:

Ambry Genetics
Classification: Uncertain significance for Cardiovascular phenotype. Last evaluated: 2023-05-27. Review status: criteria provided, single submitter. Criteria: Ambry Variant Classification Scheme 2023. Collection method: clinical testing. Allele origin: germline.
Comment: The p.D278N variant (also known as c.832G>A), located in coding exon 7 of the LIPA gene, results from a G to A substitution at nucleotide position 832. The aspartic acid at codon 278 is replaced by asparagine, an amino acid with highly similar properties. This amino acid position is conserved. In addition, this alteration is predicted to be tolerated by in silico analysis. Since supporting evidence is limited at this time, the clinical significance of this alteration remains unclear.